The following is an entry in ClinVar:

NM_000166.6(GJB1):c.299A>T (p.His100Leu)

Gene: GJB1 (gap junction protein beta 1; plus strand). Cytogenetic location: Xq13.1.
Variant type: single nucleotide variant.
Coding change: c.299A>T on transcript NM_000166.6 (MANE Select); coding-DNA position 299, A replaced by T.
Protein change: p.His100Leu; replaces histidine 100 with leucine.
Molecular consequence: missense variant.
Genome position (GRCh38, 1-based): chrX:71,224,006, A>T. VCF-style: chrX-71224006-A-T. GRCh37 (hg19) VCF-style: chrX-70443856-A-T.
Other names: c.299A>T, p.His100Leu (NM_001097642.3); short protein forms H100L.
Identifiers: ClinVar variation 804720 (VCV000804720.10), dbSNP rs1602349133, ClinGen allele CA413501831.
Genomic context (GRCh38, chrX:71,224,006, plus strand): 5'-AGCTCATCCTAGTTTCCACCCCAGCTCTCCTCGTGGCCATGCACGTGGCTCACCAGCAAC[A>T]CATAGAGAAGAAAATGCTACGGCTTGAGGGCCATGGGGACCCCCTACACCTGGAGGAGGT-3'
Protein context (NP_000157.1, residues 90-110): LVAMHVAHQQ[His100Leu]IEKKMLRLEG

ClinVar aggregate classification (germline): Uncertain significance. Review status: criteria provided, multiple submitters, no conflicts (2 of 4 stars). 2 submissions from 2 submitters: Uncertain significance (2). Last evaluated 2025-11-24.

Conditions:
Charcot-Marie-Tooth Neuropathy X. Identifiers: MedGen CN118851.

Submissions (2):

Labcorp Genetics (formerly Invitae), Labcorp
Classification: Uncertain significance for Charcot-Marie-Tooth Neuropathy X. Last evaluated: 2025-11-24. Review status: criteria provided, single submitter. Criteria: Invitae Variant Classification Sherloc (09022015). Collection method: clinical testing. Allele origin: germline.
Comment: This sequence change replaces histidine, which is basic and polar, with leucine, which is neutral and non-polar, at codon 100 of the GJB1 protein (p.His100Leu). This variant is not present in population databases (gnomAD no frequency). This variant has not been reported in the literature in individuals affected with GJB1-related conditions. ClinVar contains an entry for this variant (Variation ID: 804720). Invitae Evidence Modeling of protein sequence and biophysical properties (such as structural, functional, and spatial information, amino acid conservation, physicochemical variation, residue mobility, and thermodynamic stability) has been performed for this missense variant. However, the output from this modeling did not meet the statistical confidence thresholds required to predict the impact of this variant on GJB1 protein function. This variant disrupts the p.His100 amino acid residue in GJB1. Other variant(s) that disrupt this residue have been determined to be pathogenic (PMID: 9452099, 20730878). This suggests that this residue is clinically significant, and that variants that disrupt this residue are likely to be disease-causing. In summary, the available evidence is currently insufficient to determine the role of this variant in disease. Therefore, it has been classified as a Variant of Uncertain Significance.

Athena Diagnostics
Classification: Uncertain significance. Last evaluated: 2019-05-28. Review status: criteria provided, single submitter. Criteria: Athena Diagnostics Criteria. Collection method: clinical testing. Allele origin: germline.

Literature cited by the submitters: PubMed 9452099 (cited by Labcorp Genetics (formerly Invitae), Labcorp); PubMed 20730878 (cited by Labcorp Genetics (formerly Invitae), Labcorp).